The following is an entry in ClinVar:

NM_025137.4(SPG11):c.6142A>G (p.Thr2048Ala)

Gene: SPG11 (SPG11 vesicle trafficking associated, spatacsin; minus strand). Cytogenetic location: 15q21.1.
Variant type: single nucleotide variant.
Coding change: c.6142A>G on transcript NM_025137.4 (MANE Select); coding-DNA position 6142, A replaced by G.
Protein change: p.Thr2048Ala; replaces threonine 2048 with alanine.
Molecular consequence: missense variant. On other transcripts: intron variant (1).
Genome position (GRCh38, 1-based): chr15:44,573,610, T>C on the plus strand (A>G on the coding strand, the complement: SPG11 is on the minus strand). VCF-style: chr15-44573610-T-C. GRCh37 (hg19) VCF-style: chr15-44865808-T-C.
Other names: c.5867-790A>G (NM_001160227.2); short protein forms T2048A.
Identifiers: ClinVar variation 1436426 (VCV001436426.6), dbSNP rs2082471967, ClinGen allele CA392218213.
Genomic context (GRCh38, chr15:44,573,610, plus strand): 5'-TTCCCTGTGATGAAGTAAGCAGCTCCCGTGTCACCTCTTCTGCCACGAGTTCAGCCACAG[T>C]ATCTGGCTTAAGGCCCTGTGTGCTGATGAAGGCCTGGGCTCGTTTGCATCGGTCAGGCTG-3'
Protein context (NP_079413.3, residues 2038-2058): FISTQGLKPD[Thr2048Ala]VAELVAEEVT

ClinVar aggregate classification (germline): Uncertain significance (1 of 4 stars; one submission).

Conditions:
Hereditary spastic paraplegia 11. Also called: Spastic Paraplegia 11; Spastic paraplegia, mental retardation and thin corpus callosum; SPASTIC PARAPLEGIA, AUTOSOMAL RECESSIVE, COMPLICATED, WITH THIN CORPUS CALLOSUM; SPASTIC PARAPLEGIA, AUTOSOMAL RECESSIVE, WITH MENTAL IMPAIRMENT AND THIN CORPUS CALLOSUM; Nakamura Osame syndrome; Autosomal recessive hereditary spastic paraplegia, mental impairment, and thin corpus callosum. Identifiers: Orphanet 2822, MedGen C1858479, MONDO:0011445, OMIM 604360.

Allele frequency attached by ClinVar (database versions not stated): gnomAD exomes below 0.00001.
gnomAD v4.1: 1 of 1,614,210 alleles (0.000062%); highest among the groups gnomAD compares: Non-Finnish European, 0.000085%; no homozygotes.

Submission:

Labcorp Genetics (formerly Invitae), Labcorp
Classification: Uncertain significance for Hereditary spastic paraplegia 11. Last evaluated: 2021-11-19. Review status: criteria provided, single submitter. Criteria: Invitae Variant Classification Sherloc (09022015). Collection method: clinical testing. Allele origin: germline.
Comment: This variant is not present in population databases (gnomAD no frequency). In summary, the available evidence is currently insufficient to determine the role of this variant in disease. Therefore, it has been classified as a Variant of Uncertain Significance. Algorithms developed to predict the effect of missense changes on protein structure and function output the following: SIFT: "Tolerated"; PolyPhen-2: "Possibly Damaging"; Align-GVGD: "Class C0". The alanine amino acid residue is found in multiple mammalian species, which suggests that this missense change does not adversely affect protein function. This variant has not been reported in the literature in individuals affected with SPG11-related conditions. This sequence change replaces threonine, which is neutral and polar, with alanine, which is neutral and non-polar, at codon 2048 of the SPG11 protein (p.Thr2048Ala).